The following is an entry in ClinVar:

NM_006648.4(WNK2):c.5518G>A (p.Ala1840Thr)

Gene: WNK2 (WNK lysine deficient protein kinase 2; plus strand). Cytogenetic location: 9q22.31.
Variant type: single nucleotide variant.
Coding change: c.5518G>A on transcript NM_006648.4 (MANE Select); coding-DNA position 5518, G replaced by A.
Protein change: p.Ala1840Thr; replaces alanine 1840 with threonine.
Molecular consequence: missense variant.
Genome position (GRCh38, 1-based): chr9:93,292,983, G>A. VCF-style: chr9-93292983-G-A. GRCh37 (hg19) VCF-style: chr9-96055265-G-A.
Other names: c.5629G>A, p.Ala1877Thr (NM_001282394.3); short protein forms A1840T, A1877T.
Identifiers: ClinVar variation 4866614 (VCV004866614.1).

ClinVar aggregate classification (germline): Uncertain significance (1 of 4 stars; one submission).

gnomAD v4.1: 1 of 1,558,516 alleles (0.000064%); highest among the groups gnomAD compares: Non-Finnish European, 0.000087%; no homozygotes.

Submission:

Ambry Genetics
Classification: Uncertain significance. Last evaluated: 2026-04-22. Review status: criteria provided, single submitter. Criteria: Ambry Variant Classification Scheme 2023. Collection method: clinical testing. Allele origin: germline.
Comment: The p.A1840T variant (also known as c.5518G>A), located in coding exon 22 of the WNK2 gene, results from a G to A substitution at nucleotide position 5518. The alanine at codon 1840 is replaced by threonine, an amino acid with similar properties. This amino acid position is conserved. In addition, the in silico prediction for this alteration is inconclusive. Based on the available evidence, the clinical significance of this variant remains unclear.